The following is an entry in ClinVar:

ClinVar aggregate classification (germline): Uncertain significance (1 of 4 stars; one submission).

Conditions:
Primary ciliary dyskinesia. Also called: Ciliary dyskinesia. Identifiers: Orphanet 244, MedGen C0008780, MONDO:0016575, HP:0012265.

Allele frequency attached by ClinVar (database versions not stated): gnomAD exomes 0.00001.
gnomAD v4.1: 3 of 1,613,914 alleles (0.00019%); highest among the groups gnomAD compares: Non-Finnish European, 0.00025%; no homozygotes.

Submission:

Ambry Genetics
Classification: Uncertain significance for Primary ciliary dyskinesia. Last evaluated: 2022-08-01. Review status: criteria provided, single submitter. Criteria: Ambry Variant Classification Scheme 2023. Collection method: clinical testing. Allele origin: germline.
Comment: The p.M4272T variant (also known as c.12815T>C), located in coding exon 78 of the DNAH11 gene, results from a T to C substitution at nucleotide position 12815. The methionine at codon 4272 is replaced by threonine, an amino acid with similar properties. This amino acid position is conserved. In addition, this alteration is predicted to be tolerated by in silico analysis. Since supporting evidence is limited at this time, the clinical significance of this alteration remains unclear.

NM_001277115.2(DNAH11):c.12815T>C (p.Met4272Thr)

Gene: DNAH11 (dynein axonemal heavy chain 11; plus strand). Cytogenetic location: 7p15.3.
Variant type: single nucleotide variant.
Coding change: c.12815T>C on transcript NM_001277115.2 (MANE Select); coding-DNA position 12815, T replaced by C.
Protein change: p.Met4272Thr; replaces methionine 4272 with threonine.
Molecular consequence: missense variant.
Genome position (GRCh38, 1-based): chr7:21,894,687, T>C. VCF-style: chr7-21894687-T-C. GRCh37 (hg19) VCF-style: chr7-21934305-T-C.
Other names: c.12836T>C, p.Met4279Thr (NM_003777.3); short protein forms M4272T, M4279T.
Identifiers: ClinVar variation 1767930 (VCV001767930.2), dbSNP rs1049304176, ClinGen allele CA366954455.